The following is an entry in ClinVar:

ClinVar aggregate classification (germline): Uncertain significance. Review status: criteria provided, multiple submitters, no conflicts (2 of 4 stars). 2 submissions from 2 submitters: Uncertain significance (2). Last evaluated 2026-02-17.

Conditions:
Tatton-Brown-Rahman overgrowth syndrome. Also called: Tall stature-intellectual disability-facial dysmorphism syndrome; Tatton-Brown-Rahman syndrome. Identifiers: Orphanet 404443, MedGen C4014545, MONDO:0014382, OMIM 615879.
DNMT3A-related disorder. Also called: DNMT3A-related disorders; DNMT3A-related condition.

gnomAD v4.1: 7 of 1,614,036 alleles (0.00043%); highest among the groups gnomAD compares: Admixed American, 0.0017%; no homozygotes.

Submissions (2):

PreventionGenetics, part of Exact Sciences
Classification: Uncertain significance for DNMT3A-related condition. Last evaluated: 2026-02-17. Review status: criteria provided, single submitter. Criteria: ACMG Guidelines, 2015. Collection method: clinical testing. Allele origin: germline.
Comment: The DNMT3A c.1029G>A variant is not predicted to result in an amino acid change (p.=). This variant is predicted to alter splicing based on available splicing prediction programs (SpliceAI, Jaganathan et al. 2019. PubMed ID: 30661751). However, the use of computer prediction programs is not equivalent to functional evidence. To our knowledge, this variant has not been reported in the literature. This variant is reported in 0.0099% of alleles in individuals of Ashkenazi Jewish descent in gnomAD. At this time, the clinical significance of this variant is uncertain due to the absence of conclusive functional and genetic evidence.

Labcorp Genetics (formerly Invitae), Labcorp
Classification: Uncertain significance for Tatton-Brown-Rahman overgrowth syndrome. Last evaluated: 2024-12-30. Review status: criteria provided, single submitter. Criteria: Invitae Variant Classification Sherloc (09022015). Collection method: clinical testing. Allele origin: germline.
Comment: This sequence change affects codon 343 of the DNMT3A mRNA. It is a 'silent' change, meaning that it does not change the encoded amino acid sequence of the DNMT3A protein. This variant is present in population databases (rs771475801, gnomAD 0.01%). This variant has not been reported in the literature in individuals affected with DNMT3A-related conditions. Algorithms developed to predict the effect of sequence changes on RNA splicing suggest that this variant may create or strengthen a splice site. In summary, the available evidence is currently insufficient to determine the role of this variant in disease. Therefore, it has been classified as a Variant of Uncertain Significance.

NM_022552.5(DNMT3A):c.1029G>A (p.Lys343=)

Gene: DNMT3A (DNA methyltransferase 3 alpha; minus strand). Cytogenetic location: 2p23.3.
Variant type: single nucleotide variant.
Coding change: c.1029G>A on transcript NM_022552.5 (MANE Select); coding-DNA position 1029, G replaced by A.
Protein change: p.Lys343=; no amino-acid change (lysine 343 retained).
Molecular consequence: synonymous variant. On other transcripts: non-coding transcript variant (1).
Genome position (GRCh38, 1-based): chr2:25,247,144, C>T on the plus strand (G>A on the coding strand, the complement: DNMT3A is on the minus strand). VCF-style: chr2-25247144-C-T. GRCh37 (hg19) VCF-style: chr2-25470013-C-T.
Other names: c.573G>A, p.Lys191= (NM_001320893.1); c.360G>A, p.Lys120= (NM_001375819.1); c.462G>A, p.Lys154= (NM_153759.3); c.1029G>A, p.Lys343= (NM_175629.2).
Identifiers: ClinVar variation 3694776 (VCV003694776.3).
Genomic context (GRCh38, chr2:25,247,144, plus strand): 5'-GGGCTGCTTGTTGTACGTGGCCTGGTGGAACGCACTGCAAAACGAGCTCAGCGGCATCAG[C>T]TTCTCAACACACACCTGGGGGGACAAGCCAGGCCTTGTTTGCCGAGGCTTACACTTGCAA-3'
Protein context (NP_072046.2, residues 333-353): DGKFSVVCVE[Lys343=]LMPLSSFCSA